The following is an entry in ClinVar:

NM_001035.3(RYR2):c.4051C>T (p.His1351Tyr)

Genes: RYR2 (ryanodine receptor 2; plus strand), LOC126806067 (BRD4-independent group 4 enhancer GRCh37_chr1:237753258-237754457; plus strand). Cytogenetic location: 1q43.
Variant type: single nucleotide variant.
Coding change: c.4051C>T on transcript NM_001035.3 (MANE Select); coding-DNA position 4051, C replaced by T.
Protein change: p.His1351Tyr; replaces histidine 1351 with tyrosine.
Molecular consequence: missense variant.
Genome position (GRCh38, 1-based): chr1:237,590,883, C>T. VCF-style: chr1-237590883-C-T. GRCh37 (hg19) VCF-style: chr1-237754183-C-T.
Other names: short protein forms H1351Y.
Identifiers: ClinVar variation 4757196 (VCV004757196.1).
Genomic context (GRCh38, chr1:237,590,883, plus strand): 5'-AAGAATGACTTGGAAGATTATGATGCTGATTCTGACTTTGAGGTTCTGATGAAGACAGCT[C>T]ATGGCCATCTAGTGCCCGATCGTGTTGACAAAGACAAAGAAGCTACTAAACCAGAGTTTA-3'
Protein context (NP_001026.2, residues 1341-1361): SDFEVLMKTA[His1351Tyr]GHLVPDRVDK

ClinVar aggregate classification (germline): Uncertain significance (1 of 4 stars; one submission).

Conditions:
Cardiomyopathy (CMYO). Also called: Cardiomyopathies. Identifiers: Orphanet 167848, MedGen C0878544, MONDO:0004994, HP:0001638. Inheritance: Various modes of inheritance.

gnomAD v4.1: 1 of 1,613,770 alleles (0.000062%); highest among the groups gnomAD compares: Non-Finnish European, 0.000085%; no homozygotes.

Submission:

Color Diagnostics, LLC DBA Color Health
Classification: Uncertain significance for Cardiomyopathy. Last evaluated: 2025-06-20. Review status: criteria provided, single submitter. Criteria: ACMG Guidelines, 2015. Collection method: clinical testing. Allele origin: germline.
Comment: This missense variant replaces histidine with tyrosine at codon 1351 of the RYR2 protein. Computational prediction is inconclusive regarding the impact of this variant on protein structure and function. To our knowledge, functional studies have not been reported for this variant. This variant has not been reported in individuals affected with RYR2-related disorders in the literature. This variant has been identified in 1/31390 chromosomes in the general population by the Genome Aggregation Database (gnomAD). The available evidence is insufficient to determine the role of this variant in disease conclusively. Therefore, this variant is classified as a Variant of Uncertain Significance.